The following is an entry in ClinVar:

NM_001005242.3(PKP2):c.2249C>T (p.Ser750Phe)

Gene: PKP2 (plakophilin 2; minus strand). Cytogenetic location: 12p11.21.
Variant type: single nucleotide variant.
Coding change: c.2249C>T on transcript NM_001005242.3 (MANE Select); coding-DNA position 2249, C replaced by T.
Protein change: p.Ser750Phe; replaces serine 750 with phenylalanine.
Molecular consequence: missense variant. On other transcripts: intron variant (2).
Genome position (GRCh38, 1-based): chr12:32,796,217, G>A on the plus strand (C>T on the coding strand, the complement: PKP2 is on the minus strand). VCF-style: chr12-32796217-G-A. GRCh37 (hg19) VCF-style: chr12-32949151-G-A.
Other names: c.2381C>T, p.Ser794Phe (NM_004572.4); c.2168-3486C>T (NM_001407155.1); c.1841-3486C>T (NM_001407160.1); c.2084C>T, p.Ser695Phe (NM_001407156.1); c.1922C>T, p.Ser641Phe (NM_001407158.1, NM_001407159.1); short protein forms S641F, S750F, S794F, S695F.
Identifiers: ClinVar variation 3651318 (VCV003651318.2).

ClinVar aggregate classification (germline): Uncertain significance (1 of 4 stars; one submission).

Conditions:
Arrhythmogenic right ventricular dysplasia 9 (ARVD9). Also called: Arrhythmogenic Right Ventricular Dysplasia/Cardiomyopathy 9; ARRHYTHMOGENIC RIGHT VENTRICULAR DYSPLASIA, FAMILIAL, 9. Identifiers: MedGen C1836906, MONDO:0012180, OMIM 609040.

Submission:

Labcorp Genetics (formerly Invitae), Labcorp
Classification: Uncertain significance for Arrhythmogenic right ventricular dysplasia 9. Last evaluated: 2024-05-04. Review status: criteria provided, single submitter. Criteria: Invitae Variant Classification Sherloc (09022015). Collection method: clinical testing. Allele origin: germline.
Comment: This sequence change replaces serine, which is neutral and polar, with phenylalanine, which is neutral and non-polar, at codon 794 of the PKP2 protein (p.Ser794Phe). This variant is not present in population databases (gnomAD no frequency). This variant has not been reported in the literature in individuals affected with PKP2-related conditions. An algorithm developed to predict the effect of missense changes on protein structure and function (PolyPhen-2) suggests that this variant is likely to be disruptive. In summary, the available evidence is currently insufficient to determine the role of this variant in disease. Therefore, it has been classified as a Variant of Uncertain Significance.